The following is an entry in ClinVar:

NM_000293.3(PHKB):c.400G>A (p.Asp134Asn)

Gene: PHKB (phosphorylase kinase regulatory subunit beta; plus strand). Cytogenetic location: 16q12.1.
Variant type: single nucleotide variant.
Coding change: c.400G>A on transcript NM_000293.3 (MANE Select); coding-DNA position 400, G replaced by A.
Protein change: p.Asp134Asn; replaces aspartic acid 134 with asparagine.
Molecular consequence: missense variant.
Genome position (GRCh38, 1-based): chr16:47,503,085, G>A. VCF-style: chr16-47503085-G-A. GRCh37 (hg19) VCF-style: chr16-47536996-G-A.
Other names: c.379G>A (NM_001031835.2); c.379G>A, p.Asp127Asn (NM_001031835.3); c.400G>A, p.Asp134Asn (NM_001363837.1); short protein forms D134N, D127N.
Identifiers: ClinVar variation 319333 (VCV000319333.60), dbSNP rs144486825, ClinGen allele CA8040462.

ClinVar aggregate classification (germline): Conflicting classifications of pathogenicity. Review status: criteria provided, conflicting classifications (1 of 4 stars). 8 submissions from 8 submitters: Uncertain significance (2); Likely benign (4). 2 of the submissions do not count toward it. Last evaluated 2026-08-01.

Conditions:
PHKB-related disorder. Also called: PHKB-related condition.
Glycogen storage disease IXb (GSD9B). Also called: PHOSPHORYLASE KINASE DEFICIENCY OF LIVER AND MUSCLE, AUTOSOMAL RECESSIVE; GLYCOGENOSIS OF LIVER AND MUSCLE, AUTOSOMAL RECESSIVE; GSD IXb. Identifiers: Orphanet 79240, MedGen C0543514, MONDO:0009868, OMIM 261750.

Allele frequency attached by ClinVar (database versions not stated): 1000 Genomes Project 0.00060; 1000 Genomes Project 30x 0.00062; ESP Exome Variant Server 0.00146; gnomAD 0.00176 and 0.00177; gnomAD exomes 0.00183; ExAC 0.00190; TOPMed 0.00199.

Submissions (8):

CeGaT Center for Human Genetics Tuebingen
Classification: Likely benign. Last evaluated: 2026-08-01. Review status: criteria provided, single submitter. Criteria: CeGaT Center For Human Genetics Tuebingen Variant Classification Criteria Version 2. Collection method: clinical testing. Allele origin: germline. Affected: yes. Observed: 8 variant alleles.
Comment: PHKB: PP3, BS2

Labcorp Genetics (formerly Invitae), Labcorp
Classification: Likely benign for Glycogen storage disease IXb. Last evaluated: 2026-02-04. Review status: criteria provided, single submitter. Criteria: Invitae Variant Classification Sherloc (09022015). Collection method: clinical testing. Allele origin: germline.

Blueprint Genetics
Classification: Likely benign. Last evaluated: 2024-11-26. Review status: criteria provided, single submitter. Criteria: ACMG Guidelines, 2015. Collection method: clinical testing. Allele origin: germline.

Genomic Research Center, Shahid Beheshti University of Medical Sciences
Classification: Uncertain significance for Glycogen storage disease IXb. Last evaluated: 2018-08-07. Review status: criteria provided, single submitter. Criteria: ACMG Guidelines, 2015. Collection method: clinical testing. Allele origin: inherited. Affected: no. Observed: 1 variant allele.

GeneDx
Classification: Likely benign. Last evaluated: 2018-06-04. Review status: criteria provided, single submitter. Criteria: GeneDx Variant Classification (06012015). Collection method: clinical testing. Allele origin: germline. Affected: yes.
Comment: This variant is considered likely benign or benign based on one or more of the following criteria: it is a conservative change, it occurs at a poorly conserved position in the protein, it is predicted to be benign by multiple in silico algorithms, and/or has population frequency not consistent with disease.

Illumina Laboratory Services, Illumina
Classification: Uncertain significance for Glycogen storage disease IXb. Last evaluated: 2018-01-13. Review status: criteria provided, single submitter. Criteria: ICSL Variant Classification Criteria 13 December 2019. Collection method: clinical testing. Allele origin: germline.

PreventionGenetics, part of Exact Sciences
Classification: Likely benign for PHKB-related condition. Last evaluated: 2023-02-03. Review status: no assertion criteria provided. Collection method: clinical testing. Allele origin: germline. Not counted in ClinVar's aggregate classification.
Comment: This variant is classified as likely benign based on ACMG/AMP sequence variant interpretation guidelines (Richards et al. 2015 PMID: 25741868, with internal and published modifications).

Mayo Clinic Laboratories, Mayo Clinic
Classification: Likely benign. Last evaluated: 2017-12-13. Review status: no assertion criteria provided. Collection method: clinical testing. Allele origin: unknown. Not counted in ClinVar's aggregate classification.